The following is an entry in ClinVar:

NM_006949.4(STXBP2):c.854A>T (p.Asp285Val)

Gene: STXBP2 (syntaxin binding protein 2; plus strand). Cytogenetic location: 19p13.2.
Variant type: single nucleotide variant.
Coding change: c.854A>T on transcript NM_006949.4 (MANE Select); coding-DNA position 854, A replaced by T.
Protein change: p.Asp285Val; replaces aspartic acid 285 with valine.
Molecular consequence: missense variant. On other transcripts: non-coding transcript variant (1).
Genome position (GRCh38, 1-based): chr19:7,642,488, A>T. VCF-style: chr19-7642488-A-T. GRCh37 (hg19) VCF-style: chr19-7707374-A-T.
Other names: c.845A>T, p.Asp282Val (NM_001127396.3); c.887A>T, p.Asp296Val (NM_001272034.2); c.758A>T, p.Asp253Val (NM_001414484.1); short protein forms D282V, D285V, D253V, D296V.
Identifiers: ClinVar variation 3692788 (VCV003692788.2).

ClinVar aggregate classification (germline): Uncertain significance (1 of 4 stars; one submission).

Conditions:
Familial hemophagocytic lymphohistiocytosis 5. Also called: STXBP2-Related Familial Hemophagocytic Lymphohistiocytosis (STXBP2-fHLH). Identifiers: Orphanet 540, MedGen C2751293, MONDO:0013135, OMIM 613101.

Submission:

Labcorp Genetics (formerly Invitae), Labcorp
Classification: Uncertain significance for Familial hemophagocytic lymphohistiocytosis 5. Last evaluated: 2025-01-01. Review status: criteria provided, single submitter. Criteria: Invitae Variant Classification Sherloc (09022015). Collection method: clinical testing. Allele origin: germline.
Comment: This sequence change replaces aspartic acid, which is acidic and polar, with valine, which is neutral and non-polar, at codon 285 of the STXBP2 protein (p.Asp285Val). This variant is not present in population databases (gnomAD no frequency). This variant has not been reported in the literature in individuals affected with STXBP2-related conditions. Invitae Evidence Modeling of protein sequence and biophysical properties (such as structural, functional, and spatial information, amino acid conservation, physicochemical variation, residue mobility, and thermodynamic stability) indicates that this missense variant is expected to disrupt STXBP2 protein function with a positive predictive value of 95%. In summary, the available evidence is currently insufficient to determine the role of this variant in disease. Therefore, it has been classified as a Variant of Uncertain Significance.